The following is an entry in ClinVar:

ClinVar aggregate classification (germline): Uncertain significance (1 of 4 stars; one submission).

gnomAD v4.1: 37 of 1,613,972 alleles (0.0023%); highest among the groups gnomAD compares: South Asian, 0.04%; no homozygotes.

Submission:

Labcorp Genetics (formerly Invitae), Labcorp
Classification: Uncertain significance. Last evaluated: 2025-10-23. Review status: criteria provided, single submitter. Criteria: Invitae Variant Classification Sherloc (09022015). Collection method: clinical testing. Allele origin: germline.
Comment: This sequence change falls in intron 43 of the FN1 gene. It does not directly change the encoded amino acid sequence of the FN1 protein. It affects a nucleotide within the consensus splice site. This variant is present in population databases (rs751589162, gnomAD 0.04%). This variant has not been reported in the literature in individuals affected with FN1-related conditions. ClinVar contains an entry for this variant (Variation ID: 3604903). Variants that disrupt the consensus splice site are a relatively common cause of aberrant splicing (PMID: 17576681, 9536098). Algorithms developed to predict the effect of sequence changes on RNA splicing suggest that this variant is not likely to affect RNA splicing. In summary, the available evidence is currently insufficient to determine the role of this variant in disease. Therefore, it has been classified as a Variant of Uncertain Significance.

Literature cited by the submitters: PubMed 17576681; PubMed 9536098.

NM_212482.4(FN1):c.7144+4T>C

Genes: ATIC (5-aminoimidazole-4-carboxamide ribonucleotide formyltransferase/IMP cyclohydrolase; plus strand), FN1 (fibronectin 1; minus strand). Cytogenetic location: 2q35.
Variant type: single nucleotide variant.
Coding change: c.7144+4T>C on transcript NM_212482.4 (MANE Select); 4 bases into the intron after coding-DNA position 7144, T replaced by C.
Molecular consequence: intron variant.
Genome position (GRCh38, 1-based): chr2:215,365,501, A>G on the plus strand (T>C on the coding strand, the complement: FN1 is on the minus strand). VCF-style: chr2-215365501-A-G. GRCh37 (hg19) VCF-style: chr2-216230224-A-G.
Other names: c.6241+4T>C (NM_212474.3); c.6433+4T>C (NM_001306132.2); c.6526+4T>C (NM_001365523.2); c.6508+4T>C (NM_001306131.2); c.6601+4T>C (NM_212476.3); c.6511+4T>C (NM_001365524.2); c.6703+4T>C (NM_212478.3); c.6796+4T>C (NM_001365520.2); and 8 more.
Identifiers: ClinVar variation 3604903 (VCV003604903.2).